The following is an entry in ClinVar:

ClinVar aggregate classification (germline): Uncertain significance. Review status: criteria provided, multiple submitters, no conflicts (2 of 4 stars). 2 submissions from 2 submitters: Uncertain significance (2). Last evaluated 2026-07-06.

Conditions:
Hereditary cancer-predisposing syndrome. Also called: Hereditary Cancer Syndrome; Tumor predisposition; Hereditary neoplastic syndrome; Neoplastic Syndromes, Hereditary. Identifiers: Orphanet 140162, MedGen C0027672, MeSH D009386, MONDO:0015356.
Tuberous sclerosis 2 (TSC2). Identifiers: Orphanet 805, MedGen C1860707, MONDO:0013199, OMIM 613254.

Submissions (2):

Ambry Genetics
Classification: Uncertain significance for Hereditary cancer-predisposing syndrome. Last evaluated: 2026-07-06. Review status: criteria provided, single submitter. Criteria: Ambry Variant Classification Scheme 2023. Collection method: clinical testing. Allele origin: germline.
Comment: The p.Y1569H variant (also known as c.4705T>C), located in coding exon 36 of the TSC2 gene, results from a T to C substitution at nucleotide position 4705. The tyrosine at codon 1569 is replaced by histidine, an amino acid with similar properties. This amino acid position is conserved. In addition, the in silico prediction for this alteration is inconclusive. Based on the available evidence, the clinical significance of this variant remains unclear.

Labcorp Genetics (formerly Invitae), Labcorp
Classification: Uncertain significance for Tuberous sclerosis 2. Last evaluated: 2025-09-24. Review status: criteria provided, single submitter. Criteria: Invitae Variant Classification Sherloc (09022015). Collection method: clinical testing. Allele origin: germline.
Comment: This sequence change replaces tyrosine, which is neutral and polar, with histidine, which is basic and polar, at codon 1569 of the TSC2 protein (p.Tyr1569His). This variant is not present in population databases (gnomAD no frequency). This variant has not been reported in the literature in individuals affected with TSC2-related conditions. ClinVar contains an entry for this variant (Variation ID: 568923). Invitae Evidence Modeling of protein sequence and biophysical properties (such as structural, functional, and spatial information, amino acid conservation, physicochemical variation, residue mobility, and thermodynamic stability) indicates that this missense variant is not expected to disrupt TSC2 protein function with a negative predictive value of 95%. In summary, the available evidence is currently insufficient to determine the role of this variant in disease. Therefore, it has been classified as a Variant of Uncertain Significance.

NM_000548.5(TSC2):c.4705T>C (p.Tyr1569His)

Gene: TSC2 (TSC complex subunit 2; plus strand). Cytogenetic location: 16p13.3.
Variant type: single nucleotide variant.
Coding change: c.4705T>C on transcript NM_000548.5 (MANE Select); coding-DNA position 4705, T replaced by C.
Protein change: p.Tyr1569His; replaces tyrosine 1569 with histidine.
Molecular consequence: missense variant.
Genome position (GRCh38, 1-based): chr16:2,086,235, T>C. VCF-style: chr16-2086235-T-C. GRCh37 (hg19) VCF-style: chr16-2136236-T-C.
Other names: c.4504T>C, p.Tyr1502His (NM_001077183.3); c.4636T>C, p.Tyr1546His (NM_001114382.3); c.4396T>C, p.Tyr1466His (NM_001318827.2); c.4360T>C, p.Tyr1454His (NM_001318829.2); c.3973T>C, p.Tyr1325His (NM_001318831.2); c.4537T>C, p.Tyr1513His (NM_001318832.2); c.4507T>C, p.Tyr1503His (NM_001363528.2); c.4573T>C, p.Tyr1525His (NM_001370404.1); and 1 more; short protein forms Y1569H, Y1502H, Y1466H, Y1513H, Y1525H, Y1526H, Y1546H, Y1325H.
Identifiers: ClinVar variation 568923 (VCV000568923.9), dbSNP rs1567532712, ClinGen allele CA394307321.